The following is an entry in ClinVar:

ClinVar aggregate classification (germline): Uncertain significance (1 of 4 stars; one submission).

Allele frequency attached by ClinVar (database versions not stated): gnomAD exomes below 0.00001.
gnomAD v4.1: 1 of 1,614,156 alleles (0.000062%); highest among the groups gnomAD compares: East Asian, 0.0022%; no homozygotes.

Submission:

Labcorp Genetics (formerly Invitae), Labcorp
Classification: Uncertain significance. Last evaluated: 2024-08-29. Review status: criteria provided, single submitter. Criteria: Invitae Variant Classification Sherloc (09022015). Collection method: clinical testing. Allele origin: germline.
Comment: This sequence change replaces arginine, which is basic and polar, with tryptophan, which is neutral and slightly polar, at codon 928 of the SIN3A protein (p.Arg928Trp). This variant is not present in population databases (gnomAD no frequency). This variant has not been reported in the literature in individuals affected with SIN3A-related conditions. Invitae Evidence Modeling of protein sequence and biophysical properties (such as structural, functional, and spatial information, amino acid conservation, physicochemical variation, residue mobility, and thermodynamic stability) indicates that this missense variant is not expected to disrupt SIN3A protein function with a negative predictive value of 80%. In summary, the available evidence is currently insufficient to determine the role of this variant in disease. Therefore, it has been classified as a Variant of Uncertain Significance.

NM_001145358.2(SIN3A):c.2782C>T (p.Arg928Trp)

Gene: SIN3A (SIN3 transcription regulator family member A; minus strand). Cytogenetic location: 15q24.2.
Variant type: single nucleotide variant.
Coding change: c.2782C>T on transcript NM_001145358.2 (MANE Select); coding-DNA position 2782, C replaced by T.
Protein change: p.Arg928Trp; replaces arginine 928 with tryptophan.
Molecular consequence: missense variant.
Genome position (GRCh38, 1-based): chr15:75,392,311, G>A on the plus strand (C>T on the coding strand, the complement: SIN3A is on the minus strand). VCF-style: chr15-75392311-G-A. GRCh37 (hg19) VCF-style: chr15-75684652-G-A.
Other names: c.2782C>T, p.Arg928Trp (NM_001145357.2, NM_015477.3); short protein forms R928W.
Identifiers: ClinVar variation 2722714 (VCV002722714.3), dbSNP rs1595894656, ClinGen allele CA393490452.
Genomic context (GRCh38, chr15:75,392,311, plus strand): 5'-TGAGACGTAGCTGAATGGCAGGGCTGTCACTCTTGTCTCGCTTTATGCCCAGCACTTCCC[G>A]TTCCCATTCTCTCTCTCGGTTTTCTTCTTCAATTTGCCGTTCGGCTTGGGAACAAATCCG-3'
Protein context (NP_001138830.1, residues 918-938): EEENREREWE[Arg928Trp]EVLGIKRDKS